The following is an entry in ClinVar:

ClinVar aggregate classification (germline): Uncertain significance (1 of 4 stars; one submission).

gnomAD v4.1: 1 of 1,608,686 alleles (0.000062%); highest among the groups gnomAD compares: Non-Finnish European, 0.000085%; no homozygotes.

Submission:

GeneDx
Classification: Uncertain significance. Last evaluated: 2024-02-28. Review status: criteria provided, single submitter. Criteria: GeneDx Variant Classification Process June 2021. Collection method: clinical testing. Allele origin: germline. Affected: yes.
Comment: Not observed at significant frequency in large population cohorts (gnomAD); In silico analysis is inconclusive as to whether the variant alters gene splicing. In the absence of RNA/functional studies, the actual effect of this sequence change is unknown.; Has not been previously published as pathogenic or benign to our knowledge

NM_004370.6(COL12A1):c.8179-12T>G

Gene: COL12A1 (collagen type XII alpha 1 chain; minus strand). Cytogenetic location: 6q13.
Variant type: single nucleotide variant.
Coding change: c.8179-12T>G on transcript NM_004370.6 (MANE Select); 12 bases into the intron before coding-DNA position 8179, T replaced by G.
Molecular consequence: intron variant.
Genome position (GRCh38, 1-based): chr6:75,105,304, A>C on the plus strand (T>G on the coding strand, the complement: COL12A1 is on the minus strand). VCF-style: chr6-75105304-A-C. GRCh37 (hg19) VCF-style: chr6-75815020-A-C.
Other names: c.4687-12T>G (NM_001424116.1, NM_080645.3); c.7906-12T>G (NM_001424115.1); c.8158-12T>G (NM_001424114.1); c.8179-12T>G (NM_001424113.1).
Identifiers: ClinVar variation 3340889 (VCV003340889.1).